The following is an entry in ClinVar:

ClinVar aggregate classification (germline): Uncertain significance (1 of 4 stars; one submission).

Conditions:
Ehlers-Danlos syndrome, type 4 (EDSVASC). Also called: Ehlers-Danlos syndrome vascular type; Ehlers Danlos syndrome, ecchymotic type; Ehlers Danlos syndrome, arterial type; Ehlers Danlos syndrome, Sack-Barabas type; Ehlers-Danlos Syndrome Type IV. Identifiers: Orphanet 286, MedGen C0268338, MONDO:0017314, OMIM 130050.
Polymicrogyria with or without vascular-type Ehlers-Danlos syndrome. Identifiers: Orphanet 636941, MedGen C5193040, MONDO:0032688, OMIM 618343.

Submission:

Juno Genomics, Hangzhou Juno Genomics, Inc
Classification: Uncertain significance for Ehlers-Danlos syndrome, type 4; Polymicrogyria with or without vascular-type Ehlers-Danlos syndrome. Review status: criteria provided, single submitter. Criteria: ACMG Guidelines, 2015. Collection method: clinical testing. Allele origin: germline.
Comment: Absent from controls (or at extremely low frequency if recessive) in Genome Aggregation Database.;Missense variant in a gene that has a low rate of benign missense variation.

NM_000090.4(COL3A1):c.37C>G (p.Leu13Val)

Gene: COL3A1 (collagen type III alpha 1 chain; plus strand). Cytogenetic location: 2q32.2.
Variant type: single nucleotide variant.
Coding change: c.37C>G on transcript NM_000090.4 (MANE Select); coding-DNA position 37, C replaced by G.
Protein change: p.Leu13Val; replaces leucine 13 with valine.
Molecular consequence: missense variant.
Genome position (GRCh38, 1-based): chr2:188,974,526, C>G. VCF-style: chr2-188974526-C-G. GRCh37 (hg19) VCF-style: chr2-189839252-C-G.
Other names: short protein forms L13V.
Identifiers: ClinVar variation 5018830 (VCV005018830.2).
Genomic context (GRCh38, chr2:188,974,526, plus strand): 5'-GAGTCTCATGTCTGATATTTAGACATGATGAGCTTTGTGCAAAAGGGGAGCTGGCTACTT[C>G]TCGCTCTGCTTCATCCCACTATTATTTTGGCACAACAGGAAGGTGAGTAGGTACTGATTT-3'
Protein context (NP_000081.2, residues 3-23): SFVQKGSWLL[Leu13Val]ALLHPTIILA